The following is an entry in ClinVar:

NM_001127644.2(GABRA1):c.596C>G (p.Thr199Ser)

Gene: GABRA1 (gamma-aminobutyric acid type A receptor subunit alpha1; plus strand). Cytogenetic location: 5q34.
Variant type: single nucleotide variant.
Coding change: c.596C>G on transcript NM_001127644.2 (MANE Select); coding-DNA position 596, C replaced by G.
Protein change: p.Thr199Ser; replaces threonine 199 with serine.
Molecular consequence: missense variant.
Genome position (GRCh38, 1-based): chr5:161,882,594, C>G. VCF-style: chr5-161882594-C-G. GRCh37 (hg19) VCF-style: chr5-161309600-C-G.
Other names: c.596C>G, p.Thr199Ser (NM_001127648.2, NM_000806.5, NM_001127643.2 and 1 more transcripts); short protein forms T199S.
Identifiers: ClinVar variation 2952957 (VCV002952957.3), dbSNP rs2532261748, ClinGen allele CA362179473.

ClinVar aggregate classification (germline): Uncertain significance (1 of 4 stars; one submission).

Conditions:
Idiopathic generalized epilepsy. Also called: EIG; Generalised epilepsy. Identifiers: MedGen C0270850, MONDO:0005579, OMIM 600669.
Epilepsy, idiopathic generalized, susceptibility to, 13. Also called: EPILEPSY, JUVENILE MYOCLONIC, SUSCEPTIBILITY TO, 5. Identifiers: Orphanet 307, Orphanet 64280, MedGen C4013473, MONDO:0012627, OMIM 611136.
Epilepsy, childhood absence 4 (ECA4). Also called: EPILEPSY, CHILDHOOD ABSENCE, SUSCEPTIBILITY TO, 4. Identifiers: Orphanet 307, MedGen C1970160.

Submission:

Labcorp Genetics (formerly Invitae), Labcorp
Classification: Uncertain significance for Epilepsy, childhood absence 4; Epilepsy, idiopathic generalized, susceptibility to, 13; Idiopathic generalized epilepsy. Last evaluated: 2023-10-17. Review status: criteria provided, single submitter. Criteria: Invitae Variant Classification Sherloc (09022015). Collection method: clinical testing. Allele origin: germline.
Comment: This sequence change replaces threonine, which is neutral and polar, with serine, which is neutral and polar, at codon 199 of the GABRA1 protein (p.Thr199Ser). This variant is not present in population databases (gnomAD no frequency). This variant has not been reported in the literature in individuals affected with GABRA1-related conditions. Advanced modeling of protein sequence and biophysical properties (such as structural, functional, and spatial information, amino acid conservation, physicochemical variation, residue mobility, and thermodynamic stability) has been performed at Invitae for this missense variant, however the output from this modeling did not meet the statistical confidence thresholds required to predict the impact of this variant on GABRA1 protein function. In summary, the available evidence is currently insufficient to determine the role of this variant in disease. Therefore, it has been classified as a Variant of Uncertain Significance.